The following is an entry in ClinVar:

ClinVar aggregate classification (germline): Uncertain significance (1 of 4 stars; one submission).

Conditions:
Epilepsy, familial adult myoclonic, 5 (EPEO5). Also called: CORTICAL MYOCLONIC TREMOR WITH EPILEPSY, FAMILIAL, 5. Identifiers: Orphanet 86814, MedGen C3809374, MONDO:0014167, OMIM 615400.

Allele frequency attached by ClinVar (database versions not stated): gnomAD exomes below 0.00001; gnomAD 0.00003 and 0.00004; TOPMed 0.00005.
gnomAD v4.1: 6 of 1,614,076 alleles (0.00037%); highest among the groups gnomAD compares: African/African-American, 0.008%; no homozygotes.

Submission:

Labcorp Genetics (formerly Invitae), Labcorp
Classification: Uncertain significance for Epilepsy, familial adult myoclonic, 5. Last evaluated: 2022-07-11. Review status: criteria provided, single submitter. Criteria: Invitae Variant Classification Sherloc (09022015). Collection method: clinical testing. Allele origin: germline.
Comment: This sequence change replaces serine, which is neutral and polar, with arginine, which is basic and polar, at codon 872 of the CNTN2 protein (p.Ser872Arg). This variant is present in population databases (no rsID available, gnomAD 0.01%). This variant has not been reported in the literature in individuals affected with CNTN2-related conditions. ClinVar contains an entry for this variant (Variation ID: 1400445). Advanced modeling of protein sequence and biophysical properties (such as structural, functional, and spatial information, amino acid conservation, physicochemical variation, residue mobility, and thermodynamic stability) performed at Invitae indicates that this missense variant is not expected to disrupt CNTN2 protein function. In summary, the available evidence is currently insufficient to determine the role of this variant in disease. Therefore, it has been classified as a Variant of Uncertain Significance.

NM_005076.5(CNTN2):c.2614A>C (p.Ser872Arg)

Gene: CNTN2 (contactin 2; plus strand). Cytogenetic location: 1q32.1.
Variant type: single nucleotide variant.
Coding change: c.2614A>C on transcript NM_005076.5 (MANE Select); coding-DNA position 2614, A replaced by C.
Protein change: p.Ser872Arg; replaces serine 872 with arginine.
Molecular consequence: missense variant. On other transcripts: non-coding transcript variant (1).
Genome position (GRCh38, 1-based): chr1:205,072,016, A>C. VCF-style: chr1-205072016-A-C. GRCh37 (hg19) VCF-style: chr1-205041144-A-C.
Other names: c.2614A>C, p.Ser872Arg (NM_001346083.2); short protein forms S872R.
Identifiers: ClinVar variation 1400445 (VCV001400445.5), dbSNP rs1040215071, ClinGen allele CA36376097.